The following is an entry in ClinVar:

ClinVar aggregate classification (germline): Uncertain significance (1 of 4 stars; one submission).

Allele frequency attached by ClinVar (database versions not stated): TOPMed 0.00002; ESP Exome Variant Server 0.00008.
gnomAD v4.1: 1 of 1,613,722 alleles (0.000062%); highest among the groups gnomAD compares: African/African-American, 0.0013%; no homozygotes.

Submission:

GeneDx
Classification: Uncertain significance. Last evaluated: 2022-12-01. Review status: criteria provided, single submitter. Criteria: GeneDx Variant Classification Process June 2021. Collection method: clinical testing. Allele origin: germline. Affected: yes.
Comment: Not observed at significant frequency in large population cohorts (gnomAD); In silico analysis supports that this missense variant does not alter protein structure/function; Has not been previously published as pathogenic or benign to our knowledge

NM_030632.3(ASXL3):c.4559C>T (p.Ser1520Phe)

Gene: ASXL3 (ASXL transcriptional regulator 3; plus strand). Cytogenetic location: 18q12.1.
Variant type: single nucleotide variant.
Coding change: c.4559C>T on transcript NM_030632.3 (MANE Select); coding-DNA position 4559, C replaced by T.
Protein change: p.Ser1520Phe; replaces serine 1520 with phenylalanine.
Molecular consequence: missense variant.
Genome position (GRCh38, 1-based): chr18:33,744,407, C>T. VCF-style: chr18-33744407-C-T. GRCh37 (hg19) VCF-style: chr18-31324371-C-T.
Other names: short protein forms S1520F.
Identifiers: ClinVar variation 2504439 (VCV002504439.1), dbSNP rs376171848, ClinGen allele CA297793668.